The following is an entry in ClinVar:

ClinVar aggregate classification (germline): Conflicting classifications of pathogenicity. Review status: criteria provided, conflicting classifications (1 of 4 stars). 10 submissions from 10 submitters: Uncertain significance (2); Benign (2); Likely benign (3). 3 of the submissions do not count toward it. Last evaluated 2026-02-03.

Conditions:
GABRA1-related disorder. Also called: GABRA1-related condition.
Idiopathic generalized epilepsy. Also called: Generalised epilepsy; EIG. Identifiers: MedGen C0270850, MONDO:0005579, OMIM 600669.
Epilepsy, idiopathic generalized, susceptibility to, 13. Also called: EPILEPSY, JUVENILE MYOCLONIC, SUSCEPTIBILITY TO, 5. Identifiers: Orphanet 307, Orphanet 64280, MedGen C4013473, MONDO:0012627, OMIM 611136.
Epilepsy, childhood absence 4 (ECA4). Also called: EPILEPSY, CHILDHOOD ABSENCE, SUSCEPTIBILITY TO, 4. Identifiers: Orphanet 307, MedGen C1970160.
Inborn genetic diseases. Identifiers: MedGen C0950123, MeSH D030342.

Allele frequency attached by ClinVar (database versions not stated): 1000 Genomes Project 30x 0.00016; ExAC 0.00057; gnomAD exomes 0.00058 and 0.00121; ESP Exome Variant Server 0.00062; gnomAD 0.00064 and 0.00066; TOPMed 0.00066.
gnomAD v4.1: 1,844 of 1,613,456 alleles (0.11%); highest among the groups gnomAD compares: Non-Finnish European, 0.15%; 2 homozygotes.

Submissions (10):

Labcorp Genetics (formerly Invitae), Labcorp
Classification: Benign for Epilepsy, childhood absence 4; Epilepsy, idiopathic generalized, susceptibility to, 13; Idiopathic generalized epilepsy. Last evaluated: 2026-02-03. Review status: criteria provided, single submitter. Criteria: Invitae Variant Classification Sherloc (09022015). Collection method: clinical testing. Allele origin: germline.

CeGaT Center for Human Genetics Tuebingen
Classification: Likely benign. Last evaluated: 2025-09-01. Review status: criteria provided, single submitter. Criteria: CeGaT Center For Human Genetics Tuebingen Variant Classification Criteria Version 2. Collection method: clinical testing. Allele origin: germline. Affected: yes. Observed: 6 variant alleles.
Comment: GABRA1: BP4, BP7, BS1

Blueprint Genetics
Classification: Likely benign. Last evaluated: 2024-11-18. Review status: criteria provided, single submitter. Criteria: ACMG Guidelines, 2015. Collection method: clinical testing. Allele origin: germline.

Illumina Laboratory Services, Illumina
Classification: Uncertain significance for Epilepsy, idiopathic generalized, susceptibility to, 13. Last evaluated: 2018-01-13. Review status: criteria provided, single submitter. Criteria: ICSL Variant Classification Criteria 13 December 2019. Collection method: clinical testing. Allele origin: germline.

Ambry Genetics
Classification: Likely benign for Inborn genetic diseases. Last evaluated: 2016-06-16. Review status: criteria provided, single submitter. Criteria: Ambry Variant Classification Scheme 2023. Collection method: clinical testing. Allele origin: germline.

Eurofins Ntd Llc (ga)
Classification: Uncertain significance. Last evaluated: 2015-08-26. Review status: criteria provided, single submitter. Criteria: EGL Classification Definitions 2015. Collection method: clinical testing. Allele origin: germline. Observed: 2 variant alleles, 2 heterozygotes.

GeneDx
Classification: Benign. Last evaluated: 2013-08-21. Review status: criteria provided, single submitter. Criteria: GeneDx Variant Classification (06012015). Collection method: clinical testing. Allele origin: germline. Affected: yes.
Comment: This variant is considered likely benign or benign based on one or more of the following criteria: it is a conservative change, it occurs at a poorly conserved position in the protein, it is predicted to be benign by multiple in silico algorithms, and/or has population frequency not consistent with disease.

PreventionGenetics, part of Exact Sciences
Classification: Likely benign for GABRA1-related condition. Last evaluated: 2022-12-16. Review status: no assertion criteria provided. Collection method: clinical testing. Allele origin: germline. Not counted in ClinVar's aggregate classification.
Comment: This variant is classified as likely benign based on ACMG/AMP sequence variant interpretation guidelines (Richards et al. 2015 PMID: 25741868, with internal and published modifications).

Clinical Genetics DNA and cytogenetics Diagnostics Lab, Erasmus MC, Erasmus Medical Center
Classification: Likely benign. Review status: no assertion criteria provided. Collection method: clinical testing. Allele origin: germline. Affected: yes. Study: VKGL Data-share Consensus. Not counted in ClinVar's aggregate classification.

Diagnostic Laboratory, Department of Genetics, University Medical Center Groningen
Classification: Likely benign. Review status: no assertion criteria provided. Collection method: clinical testing. Allele origin: germline. Affected: yes. Study: VKGL Data-share Consensus. Not counted in ClinVar's aggregate classification.

NM_001127644.2(GABRA1):c.501G>A (p.Pro167=)

Gene: GABRA1 (gamma-aminobutyric acid type A receptor subunit alpha1; plus strand). Cytogenetic location: 5q34.
Variant type: single nucleotide variant.
Coding change: c.501G>A on transcript NM_001127644.2 (MANE Select); coding-DNA position 501, G replaced by A.
Protein change: p.Pro167=; no amino-acid change (proline 167 retained).
Molecular consequence: synonymous variant.
Genome position (GRCh38, 1-based): chr5:161,875,584, G>A. VCF-style: chr5-161875584-G-A. GRCh37 (hg19) VCF-style: chr5-161302590-G-A.
Other names: p.P167P:CCG>CCA; c.501G>A, p.Pro167= (NM_000806.5, NM_001127643.2, NM_001127645.2 and 1 more transcripts).
Identifiers: ClinVar variation 137410 (VCV000137410.68), dbSNP rs200750234, ClinGen allele CA232485.